The following is an entry in ClinVar:

NM_001384474.1(LOXHD1):c.5333T>A (p.Ile1778Asn)

Gene: LOXHD1 (lipoxygenase homology PLAT domains 1; minus strand). Cytogenetic location: 18q21.1.
Variant type: single nucleotide variant.
Coding change: c.5333T>A on transcript NM_001384474.1 (MANE Select); coding-DNA position 5333, T replaced by A.
Protein change: p.Ile1778Asn; replaces isoleucine 1778 with asparagine.
Molecular consequence: missense variant.
Genome position (GRCh38, 1-based): chr18:46,518,195, A>T on the plus strand (T>A on the coding strand, the complement: LOXHD1 is on the minus strand). VCF-style: chr18-46518195-A-T. GRCh37 (hg19) VCF-style: chr18-44098158-A-T.
Other names: c.2000T>A, p.Ile667Asn (NM_001145472.3); c.50T>A, p.Ile17Asn (NM_001145473.3, NM_001173129.2); c.1712T>A, p.Ile571Asn (NM_001308013.2); c.5147T>A, p.Ile1716Asn (NM_144612.7); short protein forms I1716N, I571N, I1778N, I17N, I667N.
Identifiers: ClinVar variation 4829548 (VCV004829548.3).

ClinVar aggregate classification (germline): Uncertain significance. Review status: criteria provided, multiple submitters, no conflicts (2 of 4 stars). 3 submissions from 3 submitters: Uncertain significance (3). Last evaluated 2026-04-16.

Conditions:
Inborn genetic diseases. Identifiers: MedGen C0950123, MeSH D030342.
LOXHD1-related disorder. Also called: LOXHD1-related condition.

gnomAD v4.1: 58 of 1,551,570 alleles (0.0037%); highest among the groups gnomAD compares: Non-Finnish European, 0.005%; no homozygotes.

Submissions (3):

GeneDx
Classification: Uncertain significance. Last evaluated: 2026-04-16. Review status: criteria provided, single submitter. Criteria: GeneDx Variant Classification Process June 2021. Collection method: clinical testing. Allele origin: germline.
Comment: In silico analysis supports that this missense variant has a deleterious effect on protein structure/function; Has not been previously published as pathogenic or benign to our knowledge

Ambry Genetics
Classification: Uncertain significance for Inborn genetic diseases. Last evaluated: 2025-12-16. Review status: criteria provided, single submitter. Criteria: Ambry Variant Classification Scheme 2023. Collection method: clinical testing. Allele origin: germline.

PreventionGenetics, part of Exact Sciences
Classification: Uncertain significance for LOXHD1-related condition. Last evaluated: 2025-01-07. Review status: criteria provided, single submitter. Criteria: ACMG Guidelines, 2015. Collection method: clinical testing. Allele origin: germline.
Comment: The LOXHD1 c.5147T>A variant is predicted to result in the amino acid substitution p.Ile1716Asn. To our knowledge, this variant has not been reported in the literature. This variant is reported in 0.0039% of alleles in individuals of European (Non-Finnish) descent in gnomAD. At this time, the clinical significance of this variant is uncertain due to the absence of conclusive functional and genetic evidence.